The following is an entry in ClinVar:

NM_212482.4(FN1):c.808T>C (p.Cys270Arg)

Gene: FN1 (fibronectin 1; minus strand). Cytogenetic location: 2q35.
Variant type: single nucleotide variant.
Coding change: c.808T>C on transcript NM_212482.4 (MANE Select); coding-DNA position 808, T replaced by C.
Protein change: p.Cys270Arg; replaces cysteine 270 with arginine.
Molecular consequence: missense variant.
Genome position (GRCh38, 1-based): chr2:215,428,216, A>G on the plus strand (T>C on the coding strand, the complement: FN1 is on the minus strand). VCF-style: chr2-215428216-A-G. GRCh37 (hg19) VCF-style: chr2-216292939-A-G.
Other names: c.808T>C, p.Cys270Arg (NM_001306129.2, NM_001306130.2, NM_001306131.2 and 14 more transcripts); short protein forms C270R.
Identifiers: ClinVar variation 3045451 (VCV003045451.2), dbSNP rs2470465926, ClinGen allele CA350473757.

ClinVar aggregate classification (germline): Uncertain significance (0 of 4 stars; one submission).

Conditions:
FN1-related disorder. Also called: FN1-related condition.

Submission:

PreventionGenetics, part of Exact Sciences
Classification: Uncertain significance for FN1-related condition. Last evaluated: 2023-11-22. Review status: no assertion criteria provided. Collection method: clinical testing. Allele origin: germline.
Comment: The FN1 c.808T>C variant is predicted to result in the amino acid substitution p.Cys270Arg. To our knowledge, this variant has not been reported in the literature or in a large population database, indicating this variant is rare. At this time, the clinical significance of this variant is uncertain due to the absence of conclusive functional and genetic evidence.